The following is an entry in ClinVar:

NM_001792.5(CDH2):c.694C>T (p.Arg232Trp)

Gene: CDH2 (cadherin 2; minus strand). Cytogenetic location: 18q12.1.
Variant type: single nucleotide variant.
Coding change: c.694C>T on transcript NM_001792.5 (MANE Select); coding-DNA position 694, C replaced by T.
Protein change: p.Arg232Trp; replaces arginine 232 with tryptophan.
Molecular consequence: missense variant.
Genome position (GRCh38, 1-based): chr18:28,009,725, G>A on the plus strand (C>T on the coding strand, the complement: CDH2 is on the minus strand). VCF-style: chr18-28009725-G-A. GRCh37 (hg19) VCF-style: chr18-25589689-G-A.
Other names: c.601C>T, p.Arg201Trp (NM_001308176.2); short protein forms R201W, R232W.
Identifiers: ClinVar variation 2810975 (VCV002810975.3), dbSNP rs202029952, ClinGen allele CA402243410.
Genomic context (GRCh38, chr18:28,009,725, plus strand): 5'-CAGACATTTAGAACTGTTAATACACAGAATTATCAGCTGGTTGGAATCTTACATGAAACC[G>A]GGCTATCTGCTCGCGATCCAGGGGCTTTGTCACCGACAGCTGACCCGAGATGGGGTTGAT-3'
Protein context (NP_001783.2, residues 222-242): TKPLDREQIA[Arg232Trp]FHLRAHAVDI

ClinVar aggregate classification (germline): Uncertain significance (1 of 4 stars; one submission).

Allele frequency attached by ClinVar (database versions not stated): TOPMed 0.00001.

Submission:

Labcorp Genetics (formerly Invitae), Labcorp
Classification: Uncertain significance. Last evaluated: 2023-12-06. Review status: criteria provided, single submitter. Criteria: Invitae Variant Classification Sherloc (09022015). Collection method: clinical testing. Allele origin: germline.
Comment: This sequence change replaces arginine, which is basic and polar, with tryptophan, which is neutral and slightly polar, at codon 232 of the CDH2 protein (p.Arg232Trp). This variant is present in population databases (no rsID available, gnomAD 0.003%). This variant has not been reported in the literature in individuals affected with CDH2-related conditions. An algorithm developed to predict the effect of missense changes on protein structure and function (PolyPhen-2) suggests that this variant is likely to be disruptive. In summary, the available evidence is currently insufficient to determine the role of this variant in disease. Therefore, it has been classified as a Variant of Uncertain Significance.